The following is an entry in ClinVar:

ClinVar aggregate classification (germline): Uncertain significance (1 of 4 stars; one submission).

Conditions:
Cardiovascular phenotype. Identifiers: MedGen CN230736.

Submission:

Ambry Genetics
Classification: Uncertain significance for Cardiovascular phenotype. Last evaluated: 2026-08-20. Review status: criteria provided, single submitter. Criteria: Ambry Variant Classification Scheme 2023. Collection method: clinical testing. Allele origin: germline.
Comment: The c.582dupG variant, located in coding exon 1 of the ALPK3 gene, results from a duplication of G at nucleotide position 582, causing a translational frameshift with a predicted alternate stop codon (p.P195Afs*32). This variant is expected to result in loss of function by premature protein truncation or nonsense-mediated mRNA decay. However, based on data from gnomAD, several loss of function alterations in the first exon of ALPK3 (p.C64* and p.E148Qfs*8) are too frequent to cause disease given the incidence of pediatric cardiomyopathy. The abundance of nonsense and frameshift alleles in the first exon in population databases brings into question the pathogenicity of loss of function alterations in N-terminus of ALPK3 and suggests the possibility of an alternative start site. Since supporting evidence is limited at this time, the clinical significance of this alteration remains unclear.

NM_020778.5(ALPK3):c.-25dup

Gene: ALPK3 (alpha kinase 3; plus strand). Cytogenetic location: 15q25.3.
Variant type: Duplication.
Coding change: c.-25dup on transcript NM_020778.5 (MANE Select); 25 bases upstream of the start codon, one base duplicated (G; older notation c.-25dupG).
Molecular consequence: 5 prime UTR variant.
Genome position (GRCh38, 1-based): chr15:84,817,428, G duplicated; the last of 4 consecutive G bases (chr15:84,817,425-84,817,428); duplicating any one gives the same sequence. VCF-style (leftmost placement, unchanged base first): chr15-84817424-C-CG. GRCh37 (hg19) VCF-style: chr15-85360655-C-CG.
Identifiers: ClinVar variation 3227492 (VCV003227492.2), dbSNP rs2505689036, ClinGen allele CA2805044432.
Genomic context (GRCh38, chr15:84,817,424, plus strand): 5'-CGGCGGCGGGCAGGGGCCCGGGGGCCGGGGCCTGGAGGACAGGCGAGGCAGCGGCGAGTG[C>CG]GGGGCCGGCGGTCGGGGAGGGCGGTGCCATGGGGTCGCGGAGGGCCCCCAGCCGGGGCTG-3'